The following is an entry in ClinVar:

ClinVar aggregate classification (germline): Pathogenic. Review status: reviewed by expert panel (3 of 4 stars). 5 submissions from 5 submitters: Pathogenic (1). 4 of the submissions do not count toward it. Last evaluated 2016-09-08.

Conditions:
Hereditary cancer-predisposing syndrome. Also called: Hereditary Cancer Syndrome; Hereditary neoplastic syndrome; Neoplastic Syndromes, Hereditary; Tumor predisposition. Identifiers: Orphanet 140162, MedGen C0027672, MeSH D009386, MONDO:0015356.
Hereditary breast ovarian cancer syndrome. Also called: Hereditary breast and ovarian cancer syndrome (HBOC); Hereditary breast and ovarian cancer syndrome; Hereditary breast and/or ovarian cancer syndrome; Breast and ovarian cancer; BRCA1- and BRCA2-Associated Hereditary Breast and Ovarian Cancer; Hereditary breast and ovarian cancer. Identifiers: Orphanet 145, MedGen C0677776, MeSH D061325, MONDO:0003582. Disease mechanism: loss of function.
Breast-ovarian cancer, familial, susceptibility to, 2 (BROVCA2). Also called: BRCA2 Hereditary Breast and Ovarian Cancer. Identifiers: Orphanet 145, MedGen C2675520, MONDO:0012933, OMIM 612555. Disease mechanism: loss of function.

Submissions (5):

Evidence-based Network for the Interpretation of Germline Mutant Alleles (ENIGMA)
Classification: Pathogenic for Breast-ovarian cancer, familial, susceptibility to, 2. Last evaluated: 2016-09-08. Review status: reviewed by expert panel. Criteria: ENIGMA BRCA1/2 Classification Criteria (2015). Collection method: curation. Allele origin: germline.
Comment: Variant allele predicted to encode a truncated non-functional protein.

Ambry Genetics
Classification: Pathogenic for Hereditary cancer-predisposing syndrome. Last evaluated: 2026-01-28. Review status: criteria provided, single submitter. Criteria: Ambry Variant Classification Scheme 2023. Collection method: clinical testing. Allele origin: germline. Not counted in ClinVar's aggregate classification.
Comment: The c.6405_6408delCTTA pathogenic mutation, located in coding exon 10 of the BRCA2 gene, results from a deletion of 4 nucleotides at nucleotide positions 6405 to 6408, causing a translational frameshift with a predicted alternate stop codon (p.N2135Kfs*32). This variant is considered to be rare based on population cohorts in the Genome Aggregation Database (gnomAD). This alteration is expected to result in loss of function by premature protein truncation or nonsense-mediated mRNA decay. As such, this alteration is interpreted as a disease-causing mutation.

Labcorp Genetics (formerly Invitae), Labcorp
Classification: Pathogenic for Hereditary breast ovarian cancer syndrome. Last evaluated: 2024-12-29. Review status: criteria provided, single submitter. Criteria: Invitae Variant Classification Sherloc (09022015). Collection method: clinical testing. Allele origin: germline. Not counted in ClinVar's aggregate classification.
Comment: This sequence change creates a premature translational stop signal (p.Asn2135Lysfs*32) in the BRCA2 gene. It is expected to result in an absent or disrupted protein product. Loss-of-function variants in BRCA2 are known to be pathogenic (PMID: 20104584). This variant is not present in population databases (gnomAD no frequency). This premature translational stop signal has been observed in individual(s) with ovarian cancer (PMID: 29797126). ClinVar contains an entry for this variant (Variation ID: 91448). For these reasons, this variant has been classified as Pathogenic.

Institute of Medical Genetics and Applied Genomics, University Hospital Tübingen
Classification: Pathogenic. Last evaluated: 2021-06-17. Review status: criteria provided, single submitter. Criteria: ACMG Guidelines, 2015. Collection method: clinical testing. Allele origin: germline. Inheritance: Autosomal dominant inheritance. Affected: yes. Not counted in ClinVar's aggregate classification.

Sharing Clinical Reports Project (SCRP)
Classification: Pathogenic for Breast-ovarian cancer, familial 2. Last evaluated: 2009-01-27. Review status: no assertion criteria provided. Collection method: clinical testing. Allele origin: germline. Not counted in ClinVar's aggregate classification.

Literature cited by the submitters: PubMed 20104584 (cited by Labcorp Genetics (formerly Invitae), Labcorp); PubMed 29797126 (cited by Labcorp Genetics (formerly Invitae), Labcorp).

NM_000059.4(BRCA2):c.6405_6408del (p.Asn2135fs)

Gene: BRCA2 (BRCA2 DNA repair associated; plus strand). Cytogenetic location: 13q13.1.
Variant type: Deletion.
Coding change: c.6405_6408del on transcript NM_000059.4 (MANE Select); coding-DNA positions 6405 to 6408, 4 bases deleted (CTTA; older notation c.6405_6408delCTTA).
Protein change: p.Asn2135fs; shifts the reading frame from asparagine 2135.
Molecular consequence: frameshift variant.
Genome position (GRCh38, 1-based): chr13:32,340,760-32,340,763, CTTA deleted; deleting any 4 consecutive bases within chr13:32,340,759-32,340,763 gives the same sequence; the c. name uses the placement nearest the transcript's 3' end. VCF-style (leftmost placement, unchanged base first): chr13-32340758-AACTT-A. GRCh37 (hg19) VCF-style: chr13-32914895-AACTT-A.
Other names: 6633del4; c.6405_6408delCTTA (NM_000059.3); short protein forms N2135fs.
Identifiers: ClinVar variation 91448 (VCV000091448.14), dbSNP rs398122556, ClinGen allele CA023996.